The following is an entry in ClinVar:

ClinVar aggregate classification (germline): Conflicting classifications of pathogenicity. Review status: criteria provided, conflicting classifications (1 of 4 stars). 5 submissions from 5 submitters: Uncertain significance (2); Benign (1); Likely benign (2). Last evaluated 2025-12-13.

Conditions:
Inborn genetic diseases. Identifiers: MedGen C0950123, MeSH D030342.
Autosomal dominant childhood-onset proximal spinal muscular atrophy with contractures (SMALED2A). Also called: SPINAL MUSCULAR ATROPHY, LOWER EXTREMITY-PREDOMINANT, 2A, CHILDHOOD ONSET, AUTOSOMAL DOMINANT; Spinal muscular atrophy, lower extremity-predominant, 2A, autosomal dominant. Identifiers: Orphanet 363447, Orphanet 363454, MedGen C4747715, MONDO:0014121, OMIM 615290.

Allele frequency attached by ClinVar (database versions not stated): TOPMed 0.00005; gnomAD exomes 0.00008 and 0.00014; ExAC 0.00019; gnomAD 0.00019 and 0.00021.
gnomAD v4.1: 147 of 1,612,706 alleles (0.0091%); highest among the groups gnomAD compares: South Asian, 0.014%; no homozygotes.

Submissions (5):

Labcorp Genetics (formerly Invitae), Labcorp
Classification: Likely benign for Autosomal dominant childhood-onset proximal spinal muscular atrophy with contractures. Last evaluated: 2025-12-13. Review status: criteria provided, single submitter. Criteria: Invitae Variant Classification Sherloc (09022015). Collection method: clinical testing. Allele origin: germline.

Laboratory of Genetics, Children's Clinical University Hospital Latvia
Classification: Benign. Last evaluated: 2025-02-16. Review status: criteria provided, single submitter. Criteria: ACMG Guidelines, 2015. Collection method: clinical testing. Allele origin: germline. Affected: yes.

CeGaT Center for Human Genetics Tuebingen
Classification: Uncertain significance. Last evaluated: 2022-02-01. Review status: criteria provided, single submitter. Criteria: CeGaT Center For Human Genetics Tuebingen Variant Classification Criteria Version 2. Collection method: clinical testing. Allele origin: germline. Affected: yes. Observed: 1 variant allele.

Ambry Genetics
Classification: Likely benign for Inborn genetic diseases. Last evaluated: 2020-03-18. Review status: criteria provided, single submitter. Criteria: Ambry Variant Classification Scheme 2023. Collection method: clinical testing. Allele origin: germline.

GeneDx
Classification: Uncertain significance. Last evaluated: 2017-06-22. Review status: criteria provided, single submitter. Criteria: GeneDx Variant Classification (06012015). Collection method: clinical testing. Allele origin: germline. Affected: yes.
Comment: A variant of uncertain significance has been identified in the BICD2 gene. The G514S variant has been reported as a possible pathogenic variant in an individual with peripheral neuropathy; however no additional information was provided (LaÅ¡Å¡uthovÃ¡ et al.,2016). The G514S variant is observed in 5/16502 (0.03%) alleles from individuals of South Asian background, (Lek et al., 2016; 1000 Genomes Consortium et al., 2015; Exome Variant Server). The G514S variant is a non-conservative amino acid substitution, which is likely to impact secondary protein structure as these residues differ in polarity, charge, size and/or other properties. This substitution occurs at a position that is conserved across species. However, in silico analysis is inconsistent in its predictions as to whether or not the variant is damaging to the protein structure/function. Therefore, based on the currently available information, it is unclear whether this variant is a pathogenic variant or a rare benign variant.

NM_001003800.2(BICD2):c.1540G>A (p.Gly514Ser)

Gene: BICD2 (BICD cargo adaptor 2; minus strand). Cytogenetic location: 9q22.31.
Variant type: single nucleotide variant.
Coding change: c.1540G>A on transcript NM_001003800.2 (MANE Select); coding-DNA position 1540, G replaced by A.
Protein change: p.Gly514Ser; replaces glycine 514 with serine.
Molecular consequence: missense variant.
Genome position (GRCh38, 1-based): chr9:92,719,105, C>T on the plus strand (G>A on the coding strand, the complement: BICD2 is on the minus strand). VCF-style: chr9-92719105-C-T. GRCh37 (hg19) VCF-style: chr9-95481387-C-T.
Other names: c.1540G>A, p.Gly514Ser (NM_015250.4); short protein forms G514S.
Identifiers: ClinVar variation 432264 (VCV000432264.45), dbSNP rs200091763, ClinGen allele CA5126527.